The following is an entry in ClinVar:

ClinVar aggregate classification (germline): Uncertain significance (1 of 4 stars; one submission).

Allele frequency attached by ClinVar (database versions not stated): gnomAD exomes below 0.00001.
gnomAD v4.1: 1 of 1,547,424 alleles (0.000065%); highest among the groups gnomAD compares: Non-Finnish European, 0.000087%; no homozygotes.

Submission:

Labcorp Genetics (formerly Invitae), Labcorp
Classification: Uncertain significance. Last evaluated: 2025-02-17. Review status: criteria provided, single submitter. Criteria: Invitae Variant Classification Sherloc (09022015). Collection method: clinical testing. Allele origin: germline.
Comment: This sequence change replaces alanine, which is neutral and non-polar, with valine, which is neutral and non-polar, at codon 204 of the DGKZ protein (p.Ala204Val). This variant is not present in population databases (gnomAD no frequency). This variant has not been reported in the literature in individuals affected with DGKZ-related conditions. ClinVar contains an entry for this variant (Variation ID: 2842518). An algorithm developed to predict the effect of missense changes on protein structure and function (PolyPhen-2) suggests that this variant is likely to be tolerated. In summary, the available evidence is currently insufficient to determine the role of this variant in disease. Therefore, it has been classified as a Variant of Uncertain Significance.

NM_001199267.2(DGKZ):c.162-424C>T

Gene: DGKZ (diacylglycerol kinase zeta; plus strand). Cytogenetic location: 11p11.2.
Variant type: single nucleotide variant.
Coding change: c.162-424C>T on transcript NM_001199267.2 (MANE Select); 424 bases into the intron before coding-DNA position 162, C replaced by T.
Molecular consequence: intron variant. On other transcripts: missense variant (1).
Genome position (GRCh38, 1-based): chr11:46,366,867, C>T. VCF-style: chr11-46366867-C-T. GRCh37 (hg19) VCF-style: chr11-46388417-C-T.
Other names: c.611C>T, p.Ala204Val (NM_001105540.2); c.213-424C>T (NM_201532.3); c.177-424C>T (NM_201533.3); c.162-424C>T (NM_001199266.2, NM_003646.4, NM_001199268.2); short protein forms A204V.
Identifiers: ClinVar variation 2842518 (VCV002842518.3), dbSNP rs2496431895, ClinGen allele CA380212127.